The following is an entry in ClinVar:

ClinVar aggregate classification (germline): Likely benign. Review status: criteria provided, multiple submitters, no conflicts (2 of 4 stars). 2 submissions from 2 submitters: Likely benign (2). Last evaluated 2025-02-27.

Conditions:
VPS13B-related disorder. Also called: VPS13B-related condition.
Primary ciliary dyskinesia 28. Also called: CILIARY DYSKINESIA, PRIMARY, 28, WITH OR WITHOUT SITUS INVERSUS. Identifiers: Orphanet 244, MedGen C3809706, MONDO:0014216, OMIM 615505.

gnomAD v4.1: 11 of 1,614,070 alleles (0.00068%); highest among the groups gnomAD compares: African/African-American, 0.0013%; no homozygotes.

Submissions (2):

PreventionGenetics, part of Exact Sciences
Classification: Likely benign for VPS13B-related condition. Last evaluated: 2025-02-27. Review status: criteria provided, single submitter. Criteria: ACMG Guidelines, 2015. Collection method: clinical testing. Allele origin: germline.
Comment: This variant is classified as likely benign based on ACMG/AMP sequence variant interpretation guidelines (Richards et al. 2015 PMID: 25741868, with internal and published modifications).

Labcorp Genetics (formerly Invitae), Labcorp
Classification: Likely benign for Primary ciliary dyskinesia 28. Last evaluated: 2024-10-08. Review status: criteria provided, single submitter. Criteria: Invitae Variant Classification Sherloc (09022015). Collection method: clinical testing. Allele origin: germline.

NM_003114.5(SPAG1):c.2376A>G (p.Pro792=)

Genes: SPAG1 (sperm associated antigen 1; plus strand), VPS13B (vacuolar protein sorting 13 homolog B; plus strand). Cytogenetic location: 8q22.2.
Variant type: single nucleotide variant.
Coding change: c.2376A>G on transcript NM_003114.5 (MANE Select); coding-DNA position 2376, A replaced by G.
Protein change: p.Pro792=; no amino-acid change (proline 792 retained).
Molecular consequence: synonymous variant.
Genome position (GRCh38, 1-based): chr8:100,240,498, A>G. VCF-style: chr8-100240498-A-G. GRCh37 (hg19) VCF-style: chr8-101252726-A-G.
Other names: c.2376A>G, p.Pro792= (NM_001374321.1, NM_172218.3).
Identifiers: ClinVar variation 3671925 (VCV003671925.3).